The following is an entry in ClinVar:

NC_000017.10:g.(?_78075324)_(78093682_?)dup

Gene: GAA (alpha glucosidase; plus strand). Cytogenetic location: 17q25.3.
Variant type: Duplication.
Identifiers: ClinVar variation 1683225 (VCV001683225.1).

ClinVar aggregate classification (germline): Uncertain significance (1 of 4 stars; one submission).

Submission:

Women's Health and Genetics/Laboratory Corporation of America, LabCorp
Classification: Uncertain significance. Last evaluated: 2022-04-15. Review status: criteria provided, single submitter. Criteria: LabCorp Variant Classification Summary - May 2015. Collection method: clinical testing. Allele origin: germline.
Comment: Variant summary: The variant identified by MLPA or other technology involves the duplication of the full coding sequence of the GAA gene. A presumed nomenclature of c.(?_-398)_(*552_?)dup has been designated for the purposes of this classification. It has been assumed that this is a tandem duplication in direct orientation (Richardson_GIM_2018, Newman_AJHG_2015). The variant allele was found at a frequency of 4.6e-05 in 21694 control chromosomes (gnomAD, Structural Variants dataset). The available data on variant occurrences in the general population are insufficient to allow any conclusion about variant significance. To our knowledge, no occurrence of c.(?_-398)_(*552_?)dup in individuals affected with Glycogen Storage Disease, Type 2 (Pompe Disease) and no experimental evidence demonstrating its impact on protein function have been reported. A ClinVar submitter (evaluation after 2014) cites the variant as uncertain significance. Based on the evidence outlined above, the variant was classified as uncertain significance.